The following is an entry in ClinVar:

ClinVar aggregate classification (germline): Uncertain significance. Review status: criteria provided, multiple submitters, no conflicts (2 of 4 stars). 2 submissions from 2 submitters: Uncertain significance (2). Last evaluated 2022-03-16.

Conditions:
Inborn genetic diseases. Identifiers: MedGen C0950123, MeSH D030342.

Allele frequency attached by ClinVar (database versions not stated): ExAC 0.00002; gnomAD 0.00002; gnomAD exomes 0.00004.
gnomAD v4.1: 61 of 1,609,364 alleles (0.0038%); highest among the groups gnomAD compares: Middle Eastern, 0.016%; no homozygotes.

Submissions (2):

Mayo Clinic Laboratories, Mayo Clinic
Classification: Uncertain significance. Last evaluated: 2022-03-16. Review status: criteria provided, single submitter. Criteria: ACMG Guidelines, 2015. Collection method: clinical testing. Allele origin: germline. Observed: 1 variant allele.
Comment: BP4

Ambry Genetics
Classification: Uncertain significance for Inborn genetic diseases. Last evaluated: 2021-08-09. Review status: criteria provided, single submitter. Criteria: Ambry Variant Classification Scheme 2023. Collection method: clinical testing. Allele origin: germline.

NM_030787.4(CFHR5):c.1066C>T (p.Arg356Cys)

Gene: CFHR5 (complement factor H related 5; plus strand). Cytogenetic location: 1q31.3.
Variant type: single nucleotide variant.
Coding change: c.1066C>T on transcript NM_030787.4 (MANE Select); coding-DNA position 1066, C replaced by T.
Protein change: p.Arg356Cys; replaces arginine 356 with cysteine.
Molecular consequence: missense variant.
Genome position (GRCh38, 1-based): chr1:196,998,223, C>T. VCF-style: chr1-196998223-C-T. GRCh37 (hg19) VCF-style: chr1-196967353-C-T.
Other names: p.Arg356Cys; short protein forms R356C.
Identifiers: ClinVar variation 2397706 (VCV002397706.3), dbSNP rs747163679, ClinGen allele CA1307949.